The following is an entry in ClinVar:

ClinVar aggregate classification (germline): Uncertain significance (1 of 4 stars; one submission).

Conditions:
Birt-Hogg-Dube syndrome. Also called: Birt Hogg Dubé syndrome. Identifiers: Orphanet 122, MedGen C0346010, MONDO:0800444.

gnomAD v4.1: 2 of 1,613,730 alleles (0.00012%); highest among the groups gnomAD compares: South Asian, 0.0011%; no homozygotes.

Submission:

Labcorp Genetics (formerly Invitae), Labcorp
Classification: Uncertain significance for Birt-Hogg-Dube syndrome. Last evaluated: 2024-03-04. Review status: criteria provided, single submitter. Criteria: Invitae Variant Classification Sherloc (09022015). Collection method: clinical testing. Allele origin: germline.
Comment: This sequence change replaces alanine, which is neutral and non-polar, with serine, which is neutral and polar, at codon 163 of the FLCN protein (p.Ala163Ser). This variant is not present in population databases (gnomAD no frequency). This variant has not been reported in the literature in individuals affected with FLCN-related conditions. Advanced modeling of protein sequence and biophysical properties (such as structural, functional, and spatial information, amino acid conservation, physicochemical variation, residue mobility, and thermodynamic stability) performed at Invitae indicates that this missense variant is not expected to disrupt FLCN protein function with a negative predictive value of 80%. In summary, the available evidence is currently insufficient to determine the role of this variant in disease. Therefore, it has been classified as a Variant of Uncertain Significance.

NM_144997.7(FLCN):c.487G>T (p.Ala163Ser)

Gene: FLCN (folliculin; minus strand). Cytogenetic location: 17p11.2.
Variant type: single nucleotide variant.
Coding change: c.487G>T on transcript NM_144997.7 (MANE Select); coding-DNA position 487, G replaced by T.
Protein change: p.Ala163Ser; replaces alanine 163 with serine.
Molecular consequence: missense variant.
Genome position (GRCh38, 1-based): chr17:17,224,053, C>A on the plus strand (G>T on the coding strand, the complement: FLCN is on the minus strand). VCF-style: chr17-17224053-C-A. GRCh37 (hg19) VCF-style: chr17-17127367-C-A.
Other names: c.541G>T, p.Ala181Ser (NM_001353229.2); c.487G>T, p.Ala163Ser (NM_001353230.2, NM_001353231.2, NM_144606.7); short protein forms A163S, A181S.
Identifiers: ClinVar variation 3671340 (VCV003671340.2).
Genomic context (GRCh38, chr17:17,224,053, plus strand): 5'-TGAGGTAGATCCGGTCCATCATGATGGTGATGATGCTGTACCAGCGCTGGAAGCCCCTGG[C>A]CAGGCTGTCCTTGATGAAGAAGGTGTGGCTGAACACAAAGCCGTGCTGCTCATCTCCGAA-3'
Protein context (NP_659434.2, residues 153-173): SHTFFIKDSL[Ala163Ser]RGFQRWYSII